The following is an entry in ClinVar:

ClinVar aggregate classification (germline): Uncertain significance (1 of 4 stars; one submission).

Conditions:
Hereditary cancer-predisposing syndrome. Also called: Hereditary Cancer Syndrome; Hereditary neoplastic syndrome; Neoplastic Syndromes, Hereditary; Tumor predisposition. Identifiers: Orphanet 140162, MedGen C0027672, MeSH D009386, MONDO:0015356.

Submission:

Ambry Genetics
Classification: Uncertain significance for Hereditary cancer-predisposing syndrome. Last evaluated: 2020-12-11. Review status: criteria provided, single submitter. Criteria: Ambry Variant Classification Scheme 2023. Collection method: clinical testing. Allele origin: germline.
Comment: The c.594_595delGT variant, located in coding exon 2 of the CDKN1B gene, results from a deletion of two nucleotides at nucleotide positions 594 to 595, causing a translational frameshift with a predicted alternate stop codon (p.*199Next*4). This alteration occurs at the 3' terminus of CDKN1B gene, is not expected to trigger nonsense-mediated mRNAdecay and results in the elongation of the protein by 4 amino acids. The exact functional effect of these added amino acids is unknown. Since supporting evidence is limited at this time, the clinical significance of this alteration remains unclear.

NM_004064.5(CDKN1B):c.594_595del (p.Ter199AsnextTer?)

Gene: CDKN1B (cyclin dependent kinase inhibitor 1B; plus strand). Cytogenetic location: 12p13.1.
Variant type: Deletion.
Coding change: c.594_595del on transcript NM_004064.5 (MANE Select); coding-DNA positions 594 to 595, 2 bases deleted (GT; older notation c.594_595delGT).
Protein change: p.Ter199AsnextTer?.
Molecular consequence: frameshift variant.
Genome position (GRCh38, 1-based): chr12:12,718,943-12,718,944, GT deleted. VCF-style (leftmost placement, unchanged base first): chr12-12718942-CGT-C. GRCh37 (hg19) VCF-style: chr12-12871876-CGT-C.
Identifiers: ClinVar variation 1750621 (VCV001750621.2), dbSNP rs2497407802, ClinGen allele CA2580085222.